The following is an entry in ClinVar:

NM_139276.3(STAT3):c.1775AGCGGG[3] (p.Arg595_Ala596insGluArg)

Gene: STAT3 (signal transducer and activator of transcription 3; minus strand). Cytogenetic location: 17q21.2.
Variant type: Microsatellite.
Coding change: c.1775AGCGGG[3] on transcript NM_139276.3 (MANE Select); three copies in a row of the 6-base unit AGCGGG starting at c.1775; the reference has two copies in a row; one copy, 6 bases duplicated.
Protein change: p.Arg595_Ala596insGluArg.
Molecular consequence: inframe insertion.
Genome position (GRCh38, 1-based): chr17:42,323,106-42,323,111, CCCGCT duplicated on the plus strand (AGCGGG on the coding strand, the reverse complement: STAT3 is on the minus strand); duplicating any 6 consecutive bases within chr17:42,323,106-42,323,119 gives the same sequence; the position shown is the placement nearest the transcript's 3' end. VCF-style (leftmost placement, unchanged base first): chr17-42323105-G-GCCCGCT. GRCh37 (hg19) VCF-style: chr17-40475123-G-GCCCGCT.
Other names: c.1775AGCGGG[3], p.Arg595_Ala596insGluArg (NM_001369512.1, NM_001369513.1, NM_001369514.1 and 9 more transcripts); c.1691AGCGGG[3], p.Arg567_Ala568insGluArg (NM_001384984.1); c.1697AGCGGG[3], p.Arg569_Ala570insGluArg (NM_001384985.1); c.1790AGCGGG[3], p.Arg600_Ala601insGluArg (NM_001384986.1, NM_001384990.1); c.1754AGCGGG[3], p.Arg588_Ala589insGluArg (NM_001384987.1); c.1679AGCGGG[3], p.Arg563_Ala564insGluArg (NM_001384989.1); c.1748AGCGGG[3], p.Arg586_Ala587insGluArg (NM_001384991.1); c.1715AGCGGG[3], p.Arg575_Ala576insGluArg (NM_001384992.1).
Identifiers: ClinVar variation 2949805 (VCV002949805.3), dbSNP rs2509216338, ClinGen allele CA2740095341.

ClinVar aggregate classification (germline): Uncertain significance (1 of 4 stars; one submission).

Conditions:
STAT3 gain of function. Identifiers: MedGen C4288261.
Hyper-IgE recurrent infection syndrome 1, autosomal dominant. Also called: STAT3 Hyper IgE Syndrome; Hyper-IgE recurrent infection syndrome 1; JOB SYNDROME; HYPER-IgE SYNDROME 1, AUTOSOMAL DOMINANT, WITH RECURRENT INFECTIONS; Job's Syndrome. Identifiers: Orphanet 2314, MedGen C2936739, MONDO:0007818, OMIM 147060.

Submission:

Labcorp Genetics (formerly Invitae), Labcorp
Classification: Uncertain significance for STAT3 gain of function; Hyper-IgE recurrent infection syndrome 1, autosomal dominant. Last evaluated: 2023-08-08. Review status: criteria provided, single submitter. Criteria: Invitae Variant Classification Sherloc (09022015). Collection method: clinical testing. Allele origin: germline.
Comment: In summary, the available evidence is currently insufficient to determine the role of this variant in disease. Therefore, it has been classified as a Variant of Uncertain Significance. This variant has not been reported in the literature in individuals affected with STAT3-related conditions. This variant is not present in population databases (gnomAD no frequency). This variant, c.1781_1786dup, results in the insertion of 2 amino acid(s) of the STAT3 protein (p.Glu594_Arg595dup), but otherwise preserves the integrity of the reading frame.